The following is an entry in ClinVar:

ClinVar aggregate classification (germline): Pathogenic (1 of 4 stars; one submission).

Conditions:
PMM2-congenital disorder of glycosylation. Also called: PMM2-CDG; CDG Ia; Congenital disorder of glycosylation, type Ia; JAEKEN SYNDROME; PHOSPHOMANNOMUTASE 2 DEFICIENCY; CARBOHYDRATE-DEFICIENT GLYCOPROTEIN SYNDROME, TYPE Ia. Identifiers: Orphanet 79318, MedGen C0349653, MONDO:0008907, OMIM 212065.

Submission:

Labcorp Genetics (formerly Invitae), Labcorp
Classification: Pathogenic for PMM2-congenital disorder of glycosylation. Last evaluated: 2022-10-05. Review status: criteria provided, single submitter. Criteria: Invitae Variant Classification Sherloc (09022015). Collection method: clinical testing. Allele origin: germline.
Comment: This variant is a gross deletion of the genomic region encompassing exon(s) 1 of the PMM2 gene, which includes the initiator codon. This deletion extends beyond the assayed region for this gene and therefore may encompass additional genes. It is expected to result in an absent or disrupted protein product. Loss-of-function variants in PMM2 are known to be pathogenic (PMID: 19862844). This variant has not been reported in the literature in individuals affected with PMM2-related conditions. For these reasons, this variant has been classified as Pathogenic.

Literature cited by the submitters: PubMed 19862844.

NC_000016.10:g.(?_8797873)_(8797958_?)del

Gene: PMM2 (phosphomannomutase 2; plus strand). Cytogenetic location: 16p13.2.
Variant type: Deletion.
Identifiers: ClinVar variation 830581 (VCV000830581.5).